The following is an entry in ClinVar:

ClinVar aggregate classification (germline): Uncertain significance (1 of 4 stars; one submission).

Allele frequency attached by ClinVar (database versions not stated): gnomAD 0.00001; TOPMed 0.00002; gnomAD exomes below 0.00001.
gnomAD v4.1: 5 of 1,613,830 alleles (0.00031%); highest among the groups gnomAD compares: Admixed American, 0.0017%; no homozygotes.

Submission:

Labcorp Genetics (formerly Invitae), Labcorp
Classification: Uncertain significance. Last evaluated: 2024-09-03. Review status: criteria provided, single submitter. Criteria: Invitae Variant Classification Sherloc (09022015). Collection method: clinical testing. Allele origin: germline.
Comment: This sequence change replaces methionine, which is neutral and non-polar, with threonine, which is neutral and polar, at codon 810 of the MYO18B protein (p.Met810Thr). This variant is not present in population databases (gnomAD no frequency). This variant has not been reported in the literature in individuals affected with MYO18B-related conditions. ClinVar contains an entry for this variant (Variation ID: 1981954). An algorithm developed to predict the effect of missense changes on protein structure and function (PolyPhen-2) suggests that this variant is likely to be disruptive. In summary, the available evidence is currently insufficient to determine the role of this variant in disease. Therefore, it has been classified as a Variant of Uncertain Significance.

NM_032608.7(MYO18B):c.2429T>C (p.Met810Thr)

Gene: MYO18B (myosin XVIIIB; plus strand). Cytogenetic location: 22q12.1.
Variant type: single nucleotide variant.
Coding change: c.2429T>C on transcript NM_032608.7 (MANE Select); coding-DNA position 2429, T replaced by C.
Protein change: p.Met810Thr; replaces methionine 810 with threonine.
Molecular consequence: missense variant.
Genome position (GRCh38, 1-based): chr22:25,798,005, T>C. VCF-style: chr22-25798005-T-C. GRCh37 (hg19) VCF-style: chr22-26193972-T-C.
Other names: c.2429T>C, p.Met810Thr (NM_001318245.2); short protein forms M810T.
Identifiers: ClinVar variation 1981954 (VCV001981954.4), dbSNP rs2088001108, ClinGen allele CA410996307.